The following is an entry in ClinVar:

NM_003482.4(KMT2D):c.10409T>C (p.Leu3470Pro)

Gene: KMT2D (lysine methyltransferase 2D; minus strand). Cytogenetic location: 12q13.12.
Variant type: single nucleotide variant.
Coding change: c.10409T>C on transcript NM_003482.4 (MANE Select); coding-DNA position 10409, T replaced by C.
Protein change: p.Leu3470Pro; replaces leucine 3470 with proline.
Molecular consequence: missense variant.
Genome position (GRCh38, 1-based): chr12:49,034,613, A>G on the plus strand (T>C on the coding strand, the complement: KMT2D is on the minus strand). VCF-style: chr12-49034613-A-G. GRCh37 (hg19) VCF-style: chr12-49428396-A-G.
Other names: short protein forms L3470P.
Identifiers: ClinVar variation 3041571 (VCV003041571.2), dbSNP rs2498370970, ClinGen allele CA384729179.

ClinVar aggregate classification (germline): Uncertain significance (0 of 4 stars; one submission).

Conditions:
KMT2D-related disorder. Also called: KMT2D-Related Disorders.

Submission:

PreventionGenetics, part of Exact Sciences
Classification: Uncertain significance for KMT2D-related condition. Last evaluated: 2023-10-19. Review status: no assertion criteria provided. Collection method: clinical testing. Allele origin: germline.
Comment: The KMT2D c.10409T>C variant is predicted to result in the amino acid substitution p.Leu3470Pro. To our knowledge, this variant has not been reported in the literature or in a large population database, indicating this variant is rare. At this time, the clinical significance of this variant is uncertain due to the absence of conclusive functional and genetic evidence.